The following is an entry in ClinVar:

ClinVar aggregate classification (germline): Uncertain significance (1 of 4 stars; one submission).

Conditions:
Transcobalamin I deficiency (TCN1D). Also called: COBALAMIN PSEUDODEFICIENCY DUE TO TRANSCOBALAMIN DEFICIENCY; COBALAMIN R BINDER PROTEIN DEFICIENCY; TCN1 DEFICIENCY. Identifiers: Orphanet 2967, MedGen C0342700, MONDO:0008659, OMIM 193090.

Allele frequency attached by ClinVar (database versions not stated): gnomAD 0.00001 and 0.00008; gnomAD exomes 0.00002 and 0.00006; TOPMed 0.00003; ExAC 0.00007; 1000 Genomes Project 30x 0.00078; 1000 Genomes Project 0.00080.
gnomAD v4.1: 51 of 1,613,948 alleles (0.0032%); highest among the groups gnomAD compares: South Asian, 0.043%; no homozygotes.

Submission:

Labcorp Genetics (formerly Invitae), Labcorp
Classification: Uncertain significance for Transcobalamin I deficiency. Last evaluated: 2022-08-09. Review status: criteria provided, single submitter. Criteria: Invitae Variant Classification Sherloc (09022015). Collection method: clinical testing. Allele origin: germline.
Comment: In summary, the available evidence is currently insufficient to determine the role of this variant in disease. Therefore, it has been classified as a Variant of Uncertain Significance. Algorithms developed to predict the effect of missense changes on protein structure and function (SIFT, PolyPhen-2, Align-GVGD) all suggest that this variant is likely to be tolerated. This sequence change replaces methionine, which is neutral and non-polar, with leucine, which is neutral and non-polar, at codon 72 of the TCN1 protein (p.Met72Leu). This variant is present in population databases (rs372414904, gnomAD 0.04%). This variant has not been reported in the literature in individuals affected with TCN1-related conditions. ClinVar contains an entry for this variant (Variation ID: 1525440).

NM_001062.4(TCN1):c.214A>T (p.Met72Leu)

Gene: TCN1 (transcobalamin 1; minus strand). Cytogenetic location: 11q12.1.
Variant type: single nucleotide variant.
Coding change: c.214A>T on transcript NM_001062.4 (MANE Select); coding-DNA position 214, A replaced by T.
Protein change: p.Met72Leu; replaces methionine 72 with leucine.
Molecular consequence: missense variant.
Genome position (GRCh38, 1-based): chr11:59,863,952, T>A on the plus strand (A>T on the coding strand, the complement: TCN1 is on the minus strand). VCF-style: chr11-59863952-T-A. GRCh37 (hg19) VCF-style: chr11-59631425-T-A.
Other names: short protein forms M72L.
Identifiers: ClinVar variation 1525440 (VCV001525440.6), dbSNP rs372414904, ClinGen allele CA6022101.